The following is an entry in ClinVar:

ClinVar aggregate classification (germline): Uncertain significance/VUS-mid. Review status: criteria provided, multiple submitters, no conflicts (2 of 4 stars). 3 submissions from 3 submitters: Uncertain significance (2); VUS-mid (1). Last evaluated 2026-04-29.

Conditions:
Bronchiectasis with or without elevated sweat chloride 3 (BESC3). Identifiers: Orphanet 60033, MedGen C2751324, MONDO:0013112, OMIM 613071.
Pseudohypoaldosteronism, type IB3, autosomal recessive (PHA1B3). Identifiers: MedGen C5774256, MONDO:0859318, OMIM 620126.
Liddle syndrome 2. Identifiers: MedGen C4748251, MONDO:0020854, OMIM 618114.
Inborn genetic diseases. Identifiers: MedGen C0950123, MeSH D030342.

gnomAD v4.1: 36 of 1,613,972 alleles (0.0022%); highest among the groups gnomAD compares: South Asian, 0.0055%; no homozygotes.

Submissions (3):

Department of Medical and Molecular Genetics, Dongguan Institute of Pediatrics
Classification: VUS-mid. Last evaluated: 2026-04-29. Review status: criteria provided, single submitter. Criteria: ACMG Guidelines, 2015. Collection method: clinical testing. Allele origin: unknown. Inheritance: Autosomal dominant inheritance. Affected: yes. Observed: 1 variant allele, 1 heterozygote.
Comment: This variant was absent from large population databases (PM2_Supporting). In summary, the p.Gly376Arg variant meets our criteria to be classified as a variant of uncertain significance (VUS) .

Ambry Genetics
Classification: Uncertain significance for Inborn genetic diseases. Last evaluated: 2025-08-03. Review status: criteria provided, single submitter. Criteria: Ambry Variant Classification Scheme 2023. Collection method: clinical testing. Allele origin: germline.

Fulgent Genetics
Classification: Uncertain significance for Bronchiectasis with or without elevated sweat chloride 3; Liddle syndrome 2; Pseudohypoaldosteronism, type IB3, autosomal recessive. Last evaluated: 2024-05-31. Review status: criteria provided, single submitter. Criteria: ACMG Guidelines, 2015. Collection method: clinical testing. Allele origin: germline.

NM_001039.4(SCNN1G):c.1126G>A (p.Gly376Arg)

Gene: SCNN1G (sodium channel epithelial 1 subunit gamma; plus strand). Cytogenetic location: 16p12.2.
Variant type: single nucleotide variant.
Coding change: c.1126G>A on transcript NM_001039.4 (MANE Select); coding-DNA position 1126, G replaced by A.
Protein change: p.Gly376Arg; replaces glycine 376 with arginine.
Molecular consequence: missense variant.
Genome position (GRCh38, 1-based): chr16:23,209,798, G>A. VCF-style: chr16-23209798-G-A. GRCh37 (hg19) VCF-style: chr16-23221119-G-A.
Other names: c.1126G>A (NM_001039.3); short protein forms G376R.
Identifiers: ClinVar variation 3579920 (VCV003579920.3).
Genomic context (GRCh38, chr16:23,209,798, plus strand): 5'-CTGTGATTGCAGACAGAGTCCTTCAAGCTGAGTGAGCCCTACAGTCAGTGCACGGAGGAC[G>A]GGAGTGACGTGCCAATCAGGAACATCTACAACGCTGCCTACTCGCTCCAGGTAACAGATT-3'
Protein context (NP_001030.2, residues 366-386): SEPYSQCTED[Gly376Arg]SDVPIRNIYN